The following is an entry in ClinVar:

ClinVar aggregate classification (germline): Uncertain significance. Review status: criteria provided, multiple submitters, no conflicts (2 of 4 stars). 2 submissions from 2 submitters: Uncertain significance (2). Last evaluated 2025-04-10.

Conditions:
Inborn genetic diseases. Identifiers: MedGen C0950123, MeSH D030342.

Allele frequency attached by ClinVar (database versions not stated): TOPMed 0.00001; gnomAD exomes below 0.00001; gnomAD 0.00002.
gnomAD v4.1: 8 of 1,598,826 alleles (0.0005%); highest among the groups gnomAD compares: Admixed American, 0.013%; 1 homozygote.

Submissions (2):

Ambry Genetics
Classification: Uncertain significance for Inborn genetic diseases. Last evaluated: 2025-04-10. Review status: criteria provided, single submitter. Criteria: Ambry Variant Classification Scheme 2023. Collection method: clinical testing. Allele origin: germline.

Labcorp Genetics (formerly Invitae), Labcorp
Classification: Uncertain significance. Last evaluated: 2021-10-16. Review status: criteria provided, single submitter. Criteria: Invitae Variant Classification Sherloc (09022015). Collection method: clinical testing. Allele origin: germline.
Comment: This sequence change replaces phenylalanine, which is neutral and non-polar, with cysteine, which is neutral and slightly polar, at codon 1258 of the OBSL1 protein (p.Phe1258Cys). This variant is present in population databases (no rsID available, gnomAD 0.003%). This variant has not been reported in the literature in individuals affected with OBSL1-related conditions. Algorithms developed to predict the effect of missense changes on protein structure and function are either unavailable or do not agree on the potential impact of this missense change (SIFT: "Deleterious"; PolyPhen-2: "Probably Damaging"; Align-GVGD: "Class C0"). In summary, the available evidence is currently insufficient to determine the role of this variant in disease. Therefore, it has been classified as a Variant of Uncertain Significance.

NM_015311.3(OBSL1):c.3773T>G (p.Phe1258Cys)

Gene: OBSL1 (obscurin like cytoskeletal adaptor 1; minus strand). Cytogenetic location: 2q35.
Variant type: single nucleotide variant.
Coding change: c.3773T>G on transcript NM_015311.3 (MANE Select); coding-DNA position 3773, T replaced by G.
Protein change: p.Phe1258Cys; replaces phenylalanine 1258 with cysteine.
Molecular consequence: missense variant.
Genome position (GRCh38, 1-based): chr2:219,557,840, A>C on the plus strand (T>G on the coding strand, the complement: OBSL1 is on the minus strand). VCF-style: chr2-219557840-A-C. GRCh37 (hg19) VCF-style: chr2-220422562-A-C.
Other names: c.3773T>G, p.Phe1258Cys (NM_001173431.2); c.3773T>G (NM_015311.2); short protein forms F1258C.
Identifiers: ClinVar variation 1488536 (VCV001488536.4), dbSNP rs1432449471, ClinGen allele CA350734055.
Genomic context (GRCh38, chr2:219,557,840, plus strand): 5'-GGCTTGGTGCCACTCTCAGGCTTAATGCCCAGGCTGTACTCACCAGCCACCTGGACGGTG[A>C]AGCTGAGGCTTGGGGCTCCGGGGGCTGCTCCAGACTGGCAGGTGTAGAGCCCTGCATGGG-3'
Protein context (NP_056126.1, residues 1248-1268): GAAPGAPSLS[Phe1258Cys]TVQVAEPPVR